The following is an entry in ClinVar:

ClinVar aggregate classification (germline): Pathogenic (1 of 4 stars; one submission).

Submission:

GeneDx
Classification: Pathogenic. Last evaluated: 2015-09-08. Review status: criteria provided, single submitter. Criteria: GeneDx Variant Classification (06012015). Collection method: clinical testing. Allele origin: germline. Affected: yes.
Comment: The C733R missense variant in the PHEX gene has been reported previously in association with X-linked hypophosphatemic rickets (Huang et al., 2015). Functional studies in a mouse model with C733R revealed increased alkaline phosphatase and decreased inorganic phosphate, biomarkers consistent with X-linked hypophosphatemic rickets (Sabrautzki et al. 2012). Missense variants in the same (C733Y/S) and nearby residues (F731Y/S) have been reported in the Human Gene Mutation Database in association with X-linked hypophosphatemic rickets (Stenson et al., 2014). Given the available evidence, we consider C733R to be a pathogenic variant.

NM_000444.6(PHEX):c.2197T>C (p.Cys733Arg)

Genes: PHEX (phosphate regulating endopeptidase homolog X-linked; plus strand), PTCHD1-AS (PTCHD1 antisense RNA (head to head); minus strand). Cytogenetic location: Xp22.11.
Variant type: single nucleotide variant.
Coding change: c.2197T>C on transcript NM_000444.6 (MANE Select); coding-DNA position 2197, T replaced by C.
Protein change: p.Cys733Arg; replaces cysteine 733 with arginine.
Molecular consequence: missense variant. On other transcripts: 3 prime UTR variant (1).
Genome position (GRCh38, 1-based): chrX:22,247,900, T>C. VCF-style: chrX-22247900-T-C. GRCh37 (hg19) VCF-style: chrX-22266017-T-C.
Other names: c.*32T>C (NM_001282754.2); short protein forms C733R.
Identifiers: ClinVar variation 419852 (VCV000419852.2), dbSNP rs1064794150, ClinGen allele CA16621344.
Genomic context (GRCh38, chrX:22,247,900, plus strand): 5'-TCGTTTTTCAGGGTCAATGGTGCAATTAGTAACTTTGAAGAATTCCAGAAAGCTTTTAAC[T>C]GTCCACCCAATTCCACGATGAACAGAGGCATGGACTCCTGCCGACTCTGGTAGCTGGGAC-3'
Protein context (NP_000435.3, residues 723-743): NFEEFQKAFN[Cys733Arg]PPNSTMNRGM